The following is an entry in ClinVar:

ClinVar aggregate classification (germline): Likely pathogenic (1 of 4 stars; one submission).

Conditions:
Hypohidrotic X-linked ectodermal dysplasia (XHED). Also called: ECTODERMAL DYSPLASIA, HYPOHIDROTIC, 1; CST SYNDROME; Ectodermal Dysplasia 1, Anhidrotic; ECTODERMAL DYSPLASIA 1; Anhidrotic ectodermal dysplasia X-linked; Christ Siemens Touraine syndrome. Identifiers: Orphanet 181, Orphanet 238468, MedGen C0162359, MONDO:0010585, OMIM 305100.

Submission:

Labcorp Genetics (formerly Invitae), Labcorp
Classification: Likely pathogenic for Hypohidrotic X-linked ectodermal dysplasia. Last evaluated: 2025-10-12. Review status: criteria provided, single submitter. Criteria: Invitae Variant Classification Sherloc (09022015). Collection method: clinical testing. Allele origin: germline.
Comment: This sequence change replaces glycine, which is neutral and non-polar, with arginine, which is basic and polar, at codon 189 of the EDA protein (p.Gly189Arg). This variant is not present in population databases (gnomAD no frequency). This missense change has been observed in individuals with clinical features of ectodermal dysplasia (internal data). ClinVar contains an entry for this variant (Variation ID: 2835516). Invitae Evidence Modeling of protein sequence and biophysical properties (such as structural, functional, and spatial information, amino acid conservation, physicochemical variation, residue mobility, and thermodynamic stability) has been performed for this missense variant. However, the output from this modeling did not meet the statistical confidence thresholds required to predict the impact of this variant on EDA protein function. In summary, the currently available evidence indicates that the variant is pathogenic, but additional data are needed to prove that conclusively. Therefore, this variant has been classified as Likely Pathogenic.

NM_001399.5(EDA):c.565G>A (p.Gly189Arg)

Gene: EDA (ectodysplasin A; plus strand). Cytogenetic location: Xq13.1.
Variant type: single nucleotide variant.
Coding change: c.565G>A on transcript NM_001399.5 (MANE Select); coding-DNA position 565, G replaced by A.
Protein change: p.Gly189Arg; replaces glycine 189 with arginine.
Molecular consequence: missense variant.
Genome position (GRCh38, 1-based): chrX:70,027,895, G>A. VCF-style: chrX-70027895-G-A. GRCh37 (hg19) VCF-style: chrX-69247745-G-A.
Other names: c.565G>A, p.Gly189Arg (NM_001005609.2, NM_001005612.3); short protein forms G189R.
Identifiers: ClinVar variation 2835516 (VCV002835516.3), dbSNP rs2520334697, ClinGen allele CA413448253.